The following is an entry in ClinVar:

NM_000135.4(FANCA):c.4322A>C (p.Gln1441Pro)

Genes: FANCA (FA complementation group A; minus strand), ZNF276 (zinc finger protein 276; plus strand). Cytogenetic location: 16q24.3.
Variant type: single nucleotide variant.
Coding change: c.4322A>C on transcript NM_000135.4 (MANE Select); coding-DNA position 4322, A replaced by C.
Protein change: p.Gln1441Pro; replaces glutamine 1441 with proline.
Molecular consequence: missense variant. On other transcripts: 3 prime UTR variant (3), non-coding transcript variant (4).
Genome position (GRCh38, 1-based): chr16:89,738,647, T>G on the plus strand (A>C on the coding strand, the complement: FANCA is on the minus strand). VCF-style: chr16-89738647-T-G. GRCh37 (hg19) VCF-style: chr16-89805055-T-G.
Other names: c.*51A>C (NM_001286167.3); c.*401T>G (NM_001113525.2, NM_152287.4); short protein forms Q1441P.
Identifiers: ClinVar variation 3277603 (VCV003277603.2).

ClinVar aggregate classification (germline): Uncertain significance (1 of 4 stars; one submission).

Conditions:
Inborn genetic diseases. Identifiers: MedGen C0950123, MeSH D030342.

gnomAD v4.1: 5 of 1,612,992 alleles (0.00031%); highest among the groups gnomAD compares: African/African-American, 0.0053%; no homozygotes.

Submission:

Ambry Genetics
Classification: Uncertain significance for Inborn genetic diseases. Last evaluated: 2025-02-22. Review status: criteria provided, single submitter. Criteria: Ambry Variant Classification Scheme 2023. Collection method: clinical testing. Allele origin: germline.
Comment: The p.Q1441P variant (also known as c.4322A>C), located in coding exon 43 of the FANCA gene, results from an A to C substitution at nucleotide position 4322. The glutamine at codon 1441 is replaced by proline, an amino acid with similar properties. This amino acid position is conserved. In addition, this alteration is predicted to be tolerated by in silico analysis. Based on the available evidence, the clinical significance of this variant remains unclear.